The following is an entry in ClinVar:

ClinVar aggregate classification (germline): Uncertain significance (1 of 4 stars; one submission).

Submission:

Ambry Genetics
Classification: Uncertain significance. Last evaluated: 2024-05-24. Review status: criteria provided, single submitter. Criteria: Ambry Variant Classification Scheme 2023. Collection method: clinical testing. Allele origin: germline.
Comment: The p.G1343E variant (also known as c.4028G>A), located in coding exon 16 of the POLQ gene, results from a G to A substitution at nucleotide position 4028. The glycine at codon 1343 is replaced by glutamic acid, an amino acid with similar properties. This amino acid position is conserved. In addition, this alteration is predicted to be tolerated by in silico analysis. Since supporting evidence is limited at this time, the clinical significance of this alteration remains unclear.

NM_199420.4(POLQ):c.4028G>A (p.Gly1343Glu)

Gene: POLQ (DNA polymerase theta; minus strand). Cytogenetic location: 3q13.33.
Variant type: single nucleotide variant.
Coding change: c.4028G>A on transcript NM_199420.4 (MANE Select); coding-DNA position 4028, G replaced by A.
Protein change: p.Gly1343Glu; replaces glycine 1343 with glutamic acid.
Molecular consequence: missense variant.
Genome position (GRCh38, 1-based): chr3:121,488,903, C>T on the plus strand (G>A on the coding strand, the complement: POLQ is on the minus strand). VCF-style: chr3-121488903-C-T. GRCh37 (hg19) VCF-style: chr3-121207750-C-T.
Other names: short protein forms G1343E.
Identifiers: ClinVar variation 1737158 (VCV001737158.3), dbSNP rs2546786481, ClinGen allele CA354096399.